The following is an entry in ClinVar:

NM_000038.6(APC):c.1717A>T (p.Met573Leu)

Gene: APC (APC regulator of Wnt signaling pathway; plus strand). Cytogenetic location: 5q22.2.
Variant type: single nucleotide variant.
Coding change: c.1717A>T on transcript NM_000038.6 (MANE Select); coding-DNA position 1717, A replaced by T.
Protein change: p.Met573Leu; replaces methionine 573 with leucine.
Molecular consequence: missense variant.
Genome position (GRCh38, 1-based): chr5:112,828,946, A>T. VCF-style: chr5-112828946-A-T. GRCh37 (hg19) VCF-style: chr5-112164643-A-T.
Other names: c.1717A>T, p.Met573Leu (NM_001127510.3, NM_001354895.2, NM_001407450.1); c.1663A>T, p.Met555Leu (NM_001127511.3); c.1771A>T, p.Met591Leu (NM_001354896.2, NM_001407447.1, NM_001407448.1 and 1 more transcripts); c.1747A>T, p.Met583Leu (NM_001354897.2); c.1642A>T, p.Met548Leu (NM_001354898.2); c.1633A>T, p.Met545Leu (NM_001354899.2); c.1594A>T, p.Met532Leu (NM_001354900.2); c.1540A>T, p.Met514Leu (NM_001354901.2, NM_001407453.1); and 11 more; short protein forms M447L, M472L, M482L, M573L, M601L, M189L, M514L, M548L.
Identifiers: ClinVar variation 1778650 (VCV001778650.3), dbSNP rs2149818145, ClinGen allele CA16025060.

ClinVar aggregate classification (germline): Uncertain significance. Review status: criteria provided, multiple submitters, no conflicts (2 of 4 stars). 2 submissions from 2 submitters: Uncertain significance (2). Last evaluated 2025-02-12.

Conditions:
Hereditary cancer-predisposing syndrome. Also called: Neoplastic Syndromes, Hereditary; Tumor predisposition; Hereditary Cancer Syndrome; Hereditary neoplastic syndrome. Identifiers: Orphanet 140162, MedGen C0027672, MeSH D009386, MONDO:0015356.
Familial adenomatous polyposis 1 (FAP1). Also called: FAMILIAL ADENOMATOUS POLYPOSIS 1, ATTENUATED; POLYPOSIS, ADENOMATOUS INTESTINAL. Identifiers: MedGen C2713442, MONDO:0021056, OMIM 175100. Disease mechanism: loss of function.

Submissions (2):

Labcorp Genetics (formerly Invitae), Labcorp
Classification: Uncertain significance for Familial adenomatous polyposis 1. Last evaluated: 2025-02-12. Review status: criteria provided, single submitter. Criteria: Invitae Variant Classification Sherloc (09022015). Collection method: clinical testing. Allele origin: germline.
Comment: This sequence change replaces methionine, which is neutral and non-polar, with leucine, which is neutral and non-polar, at codon 573 of the APC protein (p.Met573Leu). This variant is not present in population databases (gnomAD no frequency). This variant has not been reported in the literature in individuals affected with APC-related conditions. ClinVar contains an entry for this variant (Variation ID: 1778650). Invitae Evidence Modeling of protein sequence and biophysical properties (such as structural, functional, and spatial information, amino acid conservation, physicochemical variation, residue mobility, and thermodynamic stability) indicates that this missense variant is not expected to disrupt APC protein function with a negative predictive value of 95%. In summary, the available evidence is currently insufficient to determine the role of this variant in disease. Therefore, it has been classified as a Variant of Uncertain Significance.

Ambry Genetics
Classification: Uncertain significance for Hereditary cancer-predisposing syndrome. Last evaluated: 2020-09-16. Review status: criteria provided, single submitter. Criteria: Ambry Variant Classification Scheme 2023. Collection method: clinical testing. Allele origin: germline.
Comment: The p.M573L variant (also known as c.1717A>T), located in coding exon 13 of the APC gene, results from an A to T substitution at nucleotide position 1717. The methionine at codon 573 is replaced by leucine, an amino acid with highly similar properties. This amino acid position is well conserved in available vertebrate species. In addition, in silico predictors for this gene do not accurately predict pathogenicity. Since supporting evidence is limited at this time, the clinical significance of this alteration remains unclear.